The following is an entry in ClinVar:

NM_145290.4(ADGRA3):c.3232A>G (p.Asn1078Asp)

Gene: ADGRA3 (adhesion G protein-coupled receptor A3; minus strand). Cytogenetic location: 4p15.2.
Variant type: single nucleotide variant.
Coding change: c.3232A>G on transcript NM_145290.4 (MANE Select); coding-DNA position 3232, A replaced by G.
Protein change: p.Asn1078Asp; replaces asparagine 1078 with aspartic acid.
Molecular consequence: missense variant.
Genome position (GRCh38, 1-based): chr4:22,388,439, T>C on the plus strand (A>G on the coding strand, the complement: ADGRA3 is on the minus strand). VCF-style: chr4-22388439-T-C. GRCh37 (hg19) VCF-style: chr4-22390062-T-C.
Other names: short protein forms N1078D.
Identifiers: ClinVar variation 1995467 (VCV001995467.4), dbSNP rs2474686969, ClinGen allele CA356473380.

ClinVar aggregate classification (germline): Uncertain significance (1 of 4 stars; one submission).

Submission:

Labcorp Genetics (formerly Invitae), Labcorp
Classification: Uncertain significance. Last evaluated: 2022-05-25. Review status: criteria provided, single submitter. Criteria: Invitae Variant Classification Sherloc (09022015). Collection method: clinical testing. Allele origin: germline.
Comment: In summary, the available evidence is currently insufficient to determine the role of this variant in disease. Therefore, it has been classified as a Variant of Uncertain Significance. Algorithms developed to predict the effect of missense changes on protein structure and function (SIFT, PolyPhen-2, Align-GVGD) all suggest that this variant is likely to be tolerated. This variant has not been reported in the literature in individuals affected with ADGRA3-related conditions. This variant is not present in population databases (gnomAD no frequency). This sequence change replaces asparagine, which is neutral and polar, with aspartic acid, which is acidic and polar, at codon 1078 of the ADGRA3 protein (p.Asn1078Asp).